The following is an entry in ClinVar:

NM_007294.4(BRCA1):c.1513A>G (p.Lys505Glu)

Gene: BRCA1 (BRCA1 DNA repair associated; minus strand). Cytogenetic location: 17q21.31.
Variant type: single nucleotide variant.
Coding change: c.1513A>G on transcript NM_007294.4 (MANE Select); coding-DNA position 1513, A replaced by G.
Protein change: p.Lys505Glu; replaces lysine 505 with glutamic acid.
Molecular consequence: missense variant. On other transcripts: intron variant (137).
Genome position (GRCh38, 1-based): chr17:43,094,018, T>C on the plus strand (A>G on the coding strand, the complement: BRCA1 is on the minus strand). VCF-style: chr17-43094018-T-C. GRCh37 (hg19) VCF-style: chr17-41246035-T-C.
Other names: c.1513A>G, p.Lys505Glu (NM_001407594.1, NM_001407596.1, NM_001407597.1 and 30 more transcripts); c.451+726A>G (NM_001408508.1, NM_001408509.1); c.574+726A>G (NM_001408491.1, NM_001408493.1, NM_001408490.1); c.460+1828A>G (NM_001408506.1, NM_001408507.1); c.778+726A>G (NM_001408408.1); c.661+726A>G (NM_001408446.1, NM_001408435.1, NM_001408448.1 and 6 more transcripts); c.784+726A>G (NM_001408396.1, NM_001408401.1, NM_001408397.1 and 13 more transcripts); c.577+726A>G (NM_001408481.1, NM_001408480.1, NM_001408492.1 and 9 more transcripts); and 40 more; short protein forms K458E, K505E, K393E, K438E, K457E, K464E, K502E, K434E.
Identifiers: ClinVar variation 921457 (VCV000921457.6), dbSNP rs397508877, ClinGen allele CA10599019.
Genomic context (GRCh38, chr17:43,094,018, plus strand): 5'-CTGCCAAATCTGCTTTCTTGATAAAATCCTCAGGATGAAGGCCTGATGTAGGTCTCCTTT[T>C]ACGCTTTAATTTATTTGTGAGGGGACGCTCTTGTATTATCTGTGGCTCAGTAACAAATGC-3'
Protein context (NP_009225.1, residues 495-515): ERPLTNKLKR[Lys505Glu]RRPTSGLHPE

ClinVar aggregate classification (germline): Conflicting classifications of pathogenicity. Review status: criteria provided, conflicting classifications (1 of 4 stars). 3 submissions from 3 submitters: Uncertain significance (2); Likely benign (1). Last evaluated 2025-09-30.

Conditions:
Hereditary breast ovarian cancer syndrome. Also called: BRCA1- and BRCA2-Associated Hereditary Breast and Ovarian Cancer; Hereditary breast and ovarian cancer syndrome; Hereditary breast and ovarian cancer; Hereditary breast and ovarian cancer syndrome (HBOC); Breast and ovarian cancer; Hereditary breast and/or ovarian cancer syndrome. Identifiers: Orphanet 145, MedGen C0677776, MeSH D061325, MONDO:0003582. Disease mechanism: loss of function.
Hereditary cancer-predisposing syndrome. Also called: Neoplastic Syndromes, Hereditary; Tumor predisposition; Hereditary Cancer Syndrome; Hereditary neoplastic syndrome. Identifiers: Orphanet 140162, MedGen C0027672, MeSH D009386, MONDO:0015356.

Submissions (3):

Labcorp Genetics (formerly Invitae), Labcorp
Classification: Uncertain significance for Hereditary breast ovarian cancer syndrome. Last evaluated: 2025-09-30. Review status: criteria provided, single submitter. Criteria: Invitae Variant Classification Sherloc (09022015). Collection method: clinical testing. Allele origin: germline.
Comment: This sequence change replaces lysine, which is basic and polar, with glutamic acid, which is acidic and polar, at codon 505 of the BRCA1 protein (p.Lys505Glu). This variant is not present in population databases (gnomAD no frequency). This variant has not been reported in the literature in individuals affected with BRCA1-related conditions. ClinVar contains an entry for this variant (Variation ID: 921457). Invitae Evidence Modeling of protein sequence and biophysical properties (such as structural, functional, and spatial information, amino acid conservation, physicochemical variation, residue mobility, and thermodynamic stability) has been performed for this missense variant. However, the output from this modeling did not meet the statistical confidence thresholds required to predict the impact of this variant on BRCA1 protein function. In summary, the available evidence is currently insufficient to determine the role of this variant in disease. Therefore, it has been classified as a Variant of Uncertain Significance.

University of Washington Department of Laboratory Medicine, University of Washington
Classification: Likely benign for Hereditary cancer-predisposing syndrome. Last evaluated: 2023-03-23. Review status: criteria provided, single submitter. Criteria: Dines et al. (Genet Med. 2020). Collection method: curation. Allele origin: germline.
Comment: Missense variant in a coldspot region where missense variants are very unlikely to be pathogenic (PMID:31911673).

BRCA1 coldspot (exon 11 using historical exon numbering). Reclassification based on statistical prior probability

Color Diagnostics, LLC DBA Color Health
Classification: Uncertain significance for Hereditary cancer-predisposing syndrome. Last evaluated: 2019-06-19. Review status: criteria provided, single submitter. Criteria: ACMG Guidelines, 2015. Collection method: clinical testing. Allele origin: germline.